The following is an entry in ClinVar:

NM_001365999.1(SZT2):c.1108_1111del (p.Phe370fs)

Gene: SZT2 (SZT2 subunit of KICSTOR complex; plus strand). Cytogenetic location: 1p34.2.
Variant type: Deletion.
Coding change: c.1108_1111del on transcript NM_001365999.1 (MANE Select); coding-DNA positions 1108 to 1111, 4 bases deleted (TTTA; older notation c.1108_1111delTTTA).
Protein change: p.Phe370fs; shifts the reading frame from phenylalanine 370.
Molecular consequence: frameshift variant.
Genome position (GRCh38, 1-based): chr1:43,420,170-43,420,173, TTTA deleted; deleting any 4 consecutive bases within chr1:43,420,168-43,420,173 gives the same sequence; the c. name uses the placement nearest the transcript's 3' end. VCF-style (leftmost placement, unchanged base first): chr1-43420167-CTATT-C. GRCh37 (hg19) VCF-style: chr1-43885838-CTATT-C.
Other names: c.1108_1111del, p.Phe370fs (NM_015284.4); short protein forms F370fs.
Identifiers: ClinVar variation 2584876 (VCV002584876.1), dbSNP rs2545801238, ClinGen allele CA2582341911.

ClinVar aggregate classification (germline): Likely pathogenic (1 of 4 stars; one submission).

Conditions:
Developmental and epileptic encephalopathy, 18 (DEE18). Also called: Early infantile epileptic encephalopathy 18. Identifiers: Orphanet 369894, MedGen C3809624, MONDO:0014201, OMIM 615476.

Submission:

Neuberg Centre For Genomic Medicine, NCGM
Classification: Likely pathogenic for Developmental and epileptic encephalopathy, 18. Review status: criteria provided, single submitter. Criteria: ACMG Guidelines, 2015. Collection method: clinical testing. Allele origin: germline. Inheritance: Autosomal recessive inheritance. Affected: yes.
Comment: The frameshift variant c.1108_1111del (p.Phe370MetfsTer57) in SZT2 gene has not been reported previously as a pathogenic variant nor as a benign variant, to our knowledge. The p.Phe370MetfsTer57 variant is novel (not in any individuals) in gnomAD Exomes and is novel (not in any individuals) in 1000 Genomes. This variant has not been reported to the ClinVar database. This variant is predicted to cause loss of normal protein function through protein truncation. Loss of function variants have been previously reported to be disease causing. For these reasons, this variant has been classified as Likely Pathogenic.